The following is an entry in ClinVar:

NM_001367624.2(ZNF469):c.6779A>G (p.Lys2260Arg)

Gene: ZNF469 (zinc finger protein 469; plus strand). Cytogenetic location: 16q24.2.
Variant type: single nucleotide variant.
Coding change: c.6779A>G on transcript NM_001367624.2 (MANE Select); coding-DNA position 6779, A replaced by G.
Protein change: p.Lys2260Arg; replaces lysine 2260 with arginine.
Molecular consequence: missense variant.
Genome position (GRCh38, 1-based): chr16:88,434,249, A>G. VCF-style: chr16-88434249-A-G. GRCh37 (hg19) VCF-style: chr16-88500657-A-G.
Other names: NM_001127464.1:c.6695A>G; NM_001127464.2:c.6695A>G; p.Lys2260Arg; short protein forms K2260R.
Identifiers: ClinVar variation 320960 (VCV000320960.22), dbSNP rs75136873, ClinGen allele CA8225180.

ClinVar aggregate classification (germline): Benign/Likely benign. Review status: criteria provided, multiple submitters, no conflicts (2 of 4 stars). 8 submissions from 8 submitters: Benign (6); Likely benign (2). Last evaluated 2026-03-31.

Conditions:
Cardiovascular phenotype. Identifiers: MedGen CN230736.
Ehlers-Danlos syndrome (EDS). Identifiers: Orphanet 98249, MedGen C0013720, MONDO:0020066.
Brittle cornea syndrome 1 (BCS1). Also called: Corneal fragility keratoglobus, blue sclerae AND joint hypermobility; DYSGENESIS MESODERMALIS CORNEAE ET SCLERAE; CORNEAL FRAGILITY, KERATOGLOBUS, BLUE SCLERAE, JOINT HYPEREXTENSIBILITY; EDS6B; FRAGILITAS OCULI WITH JOINT HYPEREXTENSIBILITY. Identifiers: Orphanet 90354, MedGen C0268344, MONDO:0024543, OMIM 229200.

Allele frequency attached by ClinVar (database versions not stated): gnomAD exomes 0.00182 and 0.00416; ExAC 0.00711; gnomAD 0.01887 and 0.02017; TOPMed 0.02095; 1000 Genomes Project 0.02177; 1000 Genomes Project 30x 0.02249.
gnomAD v4.1: 5,582 of 1,550,308 alleles (0.36%); highest among the groups gnomAD compares: African/African-American, 6.4%; 170 homozygotes.

Submissions (8):

Women's Health and Genetics/Laboratory Corporation of America, LabCorp
Classification: Likely benign. Last evaluated: 2026-03-31. Review status: criteria provided, single submitter. Criteria: LabCorp Variant Classification Summary - May 2015. Collection method: clinical testing. Allele origin: germline.

Labcorp Genetics (formerly Invitae), Labcorp
Classification: Benign. Last evaluated: 2026-02-04. Review status: criteria provided, single submitter. Criteria: Invitae Variant Classification Sherloc (09022015). Collection method: clinical testing. Allele origin: germline.

Mayo Clinic Laboratories, Mayo Clinic
Classification: Benign. Last evaluated: 2023-01-23. Review status: criteria provided, single submitter. Criteria: ACMG Guidelines, 2015. Collection method: clinical testing. Allele origin: germline. Observed: 18 variant alleles.

Genome Diagnostics Laboratory, The Hospital for Sick Children
Classification: Benign for Ehlers-Danlos syndrome. Last evaluated: 2022-06-13. Review status: criteria provided, single submitter. Criteria: ACMG Guidelines, 2015. Collection method: clinical testing. Allele origin: germline.

Genome-Nilou Lab
Classification: Benign for Brittle cornea syndrome 1. Last evaluated: 2021-12-05. Review status: criteria provided, single submitter. Criteria: ACMG Guidelines, 2015. Collection method: clinical testing. Allele origin: germline. Affected: no.

Ambry Genetics
Classification: Benign for Cardiovascular phenotype. Last evaluated: 2019-04-23. Review status: criteria provided, single submitter. Criteria: Ambry Variant Classification Scheme 2023. Collection method: clinical testing. Allele origin: germline.

GeneDx
Classification: Benign. Last evaluated: 2017-02-27. Review status: criteria provided, single submitter. Criteria: GeneDx Variant Classification (06012015). Collection method: clinical testing. Allele origin: germline. Affected: yes.
Comment: This variant is considered likely benign or benign based on one or more of the following criteria: it is a conservative change, it occurs at a poorly conserved position in the protein, it is predicted to be benign by multiple in silico algorithms, and/or has population frequency not consistent with disease.

Breakthrough Genomics
Classification: Likely benign. Review status: criteria provided, single submitter. Criteria: ACMG Guidelines, 2015. Collection method: not provided. Allele origin: germline. Inheritance: Autosomal recessive inheritance. Affected: yes.